The following is an entry in ClinVar:

ClinVar aggregate classification (germline): Uncertain significance (1 of 4 stars; one submission).

gnomAD v4.1: 10 of 1,576,880 alleles (0.00063%); highest among the groups gnomAD compares: Admixed American, 0.0042%; no homozygotes.

Submission:

Labcorp Genetics (formerly Invitae), Labcorp
Classification: Uncertain significance. Last evaluated: 2025-11-01. Review status: criteria provided, single submitter. Criteria: Invitae Variant Classification Sherloc (09022015). Collection method: clinical testing. Allele origin: germline.
Comment: This sequence change affects codon 855 of the ARHGEF1 mRNA. It is a 'silent' change, meaning that it does not change the encoded amino acid sequence of the ARHGEF1 protein. This variant is not present in population databases (gnomAD no frequency). This variant has not been reported in the literature in individuals affected with ARHGEF1-related conditions. Algorithms developed to predict the effect of sequence changes on RNA splicing suggest that this variant may disrupt the consensus splice site. In summary, the available evidence is currently insufficient to determine the role of this variant in disease. Therefore, it has been classified as a Variant of Uncertain Significance.

NM_004706.4(ARHGEF1):c.2520G>A (p.Pro840=)

Gene: ARHGEF1 (Rho guanine nucleotide exchange factor 1; plus strand). Cytogenetic location: 19q13.2.
Variant type: single nucleotide variant.
Coding change: c.2520G>A on transcript NM_004706.4 (MANE Select); coding-DNA position 2520, G replaced by A.
Protein change: p.Pro840=; no amino-acid change (proline 840 retained).
Molecular consequence: synonymous variant. On other transcripts: non-coding transcript variant (2), intron variant (4).
Genome position (GRCh38, 1-based): chr19:41,906,485, G>A. VCF-style: chr19-41906485-G-A. GRCh37 (hg19) VCF-style: chr19-42410637-G-A.
Other names: c.2688G>A, p.Pro896= (NM_001396000.1); c.2421G>A, p.Pro807= (NM_198977.2); c.2565G>A, p.Pro855= (NM_199002.2); c.2492-218G>A (NM_001396003.1, NM_001396006.1); c.2393-218G>A (NM_001396002.1, NM_001396004.1).
Identifiers: ClinVar variation 4761373 (VCV004761373.1).